The following is an entry in ClinVar:

ClinVar aggregate classification (germline): Uncertain significance. Review status: criteria provided, multiple submitters, no conflicts (2 of 4 stars). 3 submissions from 3 submitters: Uncertain significance (3). Last evaluated 2025-12-21.

Conditions:
Hereditary cancer-predisposing syndrome. Also called: Tumor predisposition; Neoplastic Syndromes, Hereditary; Hereditary Cancer Syndrome; Hereditary neoplastic syndrome. Identifiers: Orphanet 140162, MedGen C0027672, MeSH D009386, MONDO:0015356.
POLD1-related polyposis and colorectal cancer syndrome (CRCS10). Also called: Colorectal cancer 10; COLORECTAL CANCER, SUSCEPTIBILITY TO, ON CHROMOSOME 19q; Colorectal cancer, susceptibility to, 10. Identifiers: Orphanet 220460, MedGen C2675481, MONDO:0012953, OMIM 612591.

gnomAD v4.1: 3 of 1,566,228 alleles (0.00019%); highest among the groups gnomAD compares: Middle Eastern, 0.017%; no homozygotes.

Submissions (3):

Labcorp Genetics (formerly Invitae), Labcorp
Classification: Uncertain significance for POLD1-related polyposis and colorectal cancer syndrome. Last evaluated: 2025-12-21. Review status: criteria provided, single submitter. Criteria: Invitae Variant Classification Sherloc (09022015). Collection method: clinical testing. Allele origin: germline.
Comment: This sequence change replaces arginine, which is basic and polar, with glutamine, which is neutral and polar, at codon 855 of the POLD1 protein (p.Arg855Gln). This variant is not present in population databases (gnomAD no frequency). This variant has not been reported in the literature in individuals affected with POLD1-related conditions. ClinVar contains an entry for this variant (Variation ID: 581830). An algorithm developed to predict the effect of missense changes on protein structure and function (PolyPhen-2) suggests that this variant is likely to be disruptive. Studies have shown that this missense change is associated with inconclusive levels of altered splicing (internal data). In summary, the available evidence is currently insufficient to determine the role of this variant in disease. Therefore, it has been classified as a Variant of Uncertain Significance.

Ambry Genetics
Classification: Uncertain significance for Hereditary cancer-predisposing syndrome. Last evaluated: 2025-04-04. Review status: criteria provided, single submitter. Criteria: Ambry Variant Classification Scheme 2023. Collection method: clinical testing. Allele origin: germline.
Comment: The p.R855Q variant (also known as c.2564G>A), located in coding exon 19 of the POLD1 gene, results from a G to A substitution at nucleotide position 2564. The amino acid change results in arginine to glutamine at codon 855, an amino acid with highly similar properties. However, this change occurs in the last base pair of coding exon 19, which makes it likely to have some effect on normal mRNA splicing. This nucleotide position is highly conserved in available vertebrate species. This amino acid position is highly conserved in available vertebrate species. In silico splice site analysis predicts that this alteration will result in the creation or strengthening of a novel splice donor site. In addition, as a missense substitution this is predicted to be tolerated by in silico analysis. Based on the available evidence, the clinical significance of this variant remains unclear.

GeneDx
Classification: Uncertain significance. Last evaluated: 2022-10-04. Review status: criteria provided, single submitter. Criteria: GeneDx Variant Classification Process June 2021. Collection method: clinical testing. Allele origin: germline. Affected: yes.
Comment: In silico analysis supports that this missense variant has a deleterious effect on protein structure/function; Has not been previously published as pathogenic or benign to our knowledge; Not observed at significant frequency in large population cohorts (gnomAD); In silico analysis supports a deleterious effect on splicing

NM_002691.4(POLD1):c.2564G>A (p.Arg855Gln)

Gene: POLD1 (DNA polymerase delta 1, catalytic subunit; plus strand). Cytogenetic location: 19q13.33.
Variant type: single nucleotide variant.
Coding change: c.2564G>A on transcript NM_002691.4 (MANE Select); coding-DNA position 2564, G replaced by A.
Protein change: p.Arg855Gln; replaces arginine 855 with glutamine.
Molecular consequence: missense variant. On other transcripts: non-coding transcript variant (1).
Genome position (GRCh38, 1-based): chr19:50,414,990, G>A. VCF-style: chr19-50414990-G-A. GRCh37 (hg19) VCF-style: chr19-50918247-G-A.
Other names: c.2564G>A, p.Arg855Gln (NM_001256849.1); c.2642G>A, p.Arg881Gln (NM_001308632.1); c.2564G>A (NM_002691.2); short protein forms R855Q, R881Q.
Identifiers: ClinVar variation 581830 (VCV000581830.15), dbSNP rs868847470, ClinGen allele CA9596560.